The following is an entry in ClinVar:

ClinVar aggregate classification (germline): Benign (1 of 4 stars; one submission).

Allele frequency attached by ClinVar (database versions not stated): TOPMed 0.78383; gnomAD 0.78520 and 0.79026; 1000 Genomes Project 30x 0.80278; 1000 Genomes Project 0.80911.
gnomAD v4.1: 120,274 of 152,192 alleles (79%); highest among the groups gnomAD compares: East Asian, 93%; 47,810 homozygotes.

Submission:

GeneDx
Classification: Benign. Last evaluated: 2018-06-14. Review status: criteria provided, single submitter. Criteria: GeneDx Variant Classification (06012015). Collection method: clinical testing. Allele origin: germline. Affected: yes.
Comment: This variant is considered likely benign or benign based on one or more of the following criteria: it is a conservative change, it occurs at a poorly conserved position in the protein, it is predicted to be benign by multiple in silico algorithms, and/or has population frequency not consistent with disease.

NM_001999.4(FBN2):c.3217+231G>A

Genes: FBN2 (fibrillin 2; minus strand), LOC126807501 (BRD4-independent group 4 enhancer GRCh37_chr5:127680731-127681930; plus strand). Cytogenetic location: 5q23.3.
Variant type: single nucleotide variant.
Coding change: c.3217+231G>A on transcript NM_001999.4 (MANE Select); 231 bases into the intron after coding-DNA position 3217, G replaced by A.
Molecular consequence: intron variant.
Genome position (GRCh38, 1-based): chr5:128,345,126, C>T on the plus strand (G>A on the coding strand, the complement: FBN2 is on the minus strand). VCF-style: chr5-128345126-C-T. GRCh37 (hg19) VCF-style: chr5-127680818-C-T.
Identifiers: ClinVar variation 678489 (VCV000678489.1), dbSNP rs468026, ClinGen allele CA12105955.
Genomic context (GRCh38, chr5:128,345,126, plus strand): 5'-TAAGTGGGAATAGGTAACTTTTTGCTACAGATGTAGCTATCAGGGCGACATCTCCGGTTG[C>T]AGAGGAACAAAGAGTAGAAGAGAAAGATAAGCAATCTGTTTTATCTCTTTACTTCAATGC-3'